The following is an entry in ClinVar:

ClinVar aggregate classification (germline): Likely pathogenic (1 of 4 stars; one submission).

Conditions:
Neuronal ceroid lipofuscinosis 1 (CLN1). Also called: CEROID LIPOFUSCINOSIS, NEURONAL, 1, VARIABLE AGE AT ONSET; PPT1-Related Neuronal Ceroid-Lipofuscinosis. Identifiers: Orphanet 228329, MedGen C1850451, MONDO:0009744, OMIM 256730.

Submission:

Myriad Genetics, Inc.
Classification: Likely pathogenic for Neuronal ceroid lipofuscinosis 1. Last evaluated: 2022-05-18. Review status: criteria provided, single submitter. Criteria: Myriad Women's Health Autosomal Recessive and X-Linked Classification Criteria (2021). Collection method: clinical testing. Allele origin: unknown.
Comment: NM_000310.3(PPT1):c.680_684del5(M227Kfs*5) is expected to be pathogenic in the context of PPT1-related neuronal ceroid lipofuscinosis. This variant is predicted to lead to an abnormal or absent protein product due to the creation of a premature termination codon in PPT1, a gene where loss-of-function variants are known to be pathogenic. Please note: this variant was assessed in the context of healthy population screening.

NM_000310.4(PPT1):c.680_684del (p.Met227fs)

Gene: PPT1 (palmitoyl-protein thioesterase 1; minus strand). Cytogenetic location: 1p34.2.
Variant type: Deletion.
Coding change: c.680_684del on transcript NM_000310.4 (MANE Select); coding-DNA positions 680 to 684, 5 bases deleted (TGGTG; older notation c.680_684delTGGTG).
Protein change: p.Met227fs; shifts the reading frame from methionine 227.
Molecular consequence: frameshift variant.
Genome position (GRCh38, 1-based): chr1:40,078,602-40,078,606, CACCA deleted on the plus strand (TGGTG on the coding strand, the reverse complement: PPT1 is on the minus strand). VCF-style (leftmost placement, unchanged base first): chr1-40078601-TCACCA-T. GRCh37 (hg19) VCF-style: chr1-40544273-TCACCA-T.
Other names: c.371_375del, p.Met124fs (NM_001142604.2); c.680_684del, p.Met227fs (NM_001363695.2); short protein forms M124fs, M227fs.
Identifiers: ClinVar variation 1726107 (VCV001726107.2), dbSNP rs2523635615, ClinGen allele CA2580062732.